The following is an entry in ClinVar:

NM_020971.3(SPTBN4):c.1743G>C (p.Glu581Asp)

Gene: SPTBN4 (spectrin beta, non-erythrocytic 4; plus strand). Cytogenetic location: 19q13.2.
Variant type: single nucleotide variant.
Coding change: c.1743G>C on transcript NM_020971.3 (MANE Select); coding-DNA position 1743, G replaced by C.
Protein change: p.Glu581Asp; replaces glutamic acid 581 with aspartic acid.
Molecular consequence: missense variant.
Genome position (GRCh38, 1-based): chr19:40,506,313, G>C. VCF-style: chr19-40506313-G-C. GRCh37 (hg19) VCF-style: chr19-41012220-G-C.
Other names: short protein forms E581D.
Identifiers: ClinVar variation 3370007 (VCV003370007.2).

ClinVar aggregate classification (germline): Uncertain significance (1 of 4 stars; one submission).

gnomAD v4.1: 1 of 1,614,120 alleles (0.000062%); highest among the groups gnomAD compares: Non-Finnish European, 0.000085%; no homozygotes.

Submission:

GeneDx
Classification: Uncertain significance. Last evaluated: 2026-07-01. Review status: criteria provided, single submitter. Criteria: GeneDx Variant Classification Process June 2021. Collection method: clinical testing. Allele origin: germline.
Comment: Not observed at significant frequency in large population cohorts (gnomAD); In silico analysis supports that this missense variant has a deleterious effect on protein structure/function; Has not been previously published as pathogenic or benign to our knowledge